The following is an entry in ClinVar:

ClinVar aggregate classification (germline): Uncertain significance (1 of 4 stars; one submission).

Conditions:
Autosomal recessive limb-girdle muscular dystrophy type 2A (LGMDR1). Also called: LEYDEN-MOEBIUS MUSCULAR DYSTROPHY; MUSCULAR DYSTROPHY, PELVOFEMORAL; Limb-girdle muscular dystrophy, type 2A; Calpainopathy; Muscular dystrophy, limb-girdle, type 2A, Amish. Identifiers: Orphanet 267, MedGen C1869123, MONDO:0009675, OMIM 253600. Disease mechanism: loss of function.

Allele frequency attached by ClinVar (database versions not stated): gnomAD 0.00001.
gnomAD v4.1: 1 of 1,614,036 alleles (0.000062%); highest among the groups gnomAD compares: East Asian, 0.0022%; no homozygotes.

Submission:

Labcorp Genetics (formerly Invitae), Labcorp
Classification: Uncertain significance for Autosomal recessive limb-girdle muscular dystrophy type 2A. Last evaluated: 2025-06-23. Review status: criteria provided, single submitter. Criteria: Invitae Variant Classification Sherloc (09022015). Collection method: clinical testing. Allele origin: germline.
Comment: This sequence change replaces asparagine, which is neutral and polar, with aspartic acid, which is acidic and polar, at codon 528 of the CAPN3 protein (p.Asn528Asp). This variant is not present in population databases (gnomAD no frequency). This variant has not been reported in the literature in individuals affected with CAPN3-related conditions. ClinVar contains an entry for this variant (Variation ID: 2178021). Invitae Evidence Modeling of protein sequence and biophysical properties (such as structural, functional, and spatial information, amino acid conservation, physicochemical variation, residue mobility, and thermodynamic stability) indicates that this missense variant is not expected to disrupt CAPN3 protein function with a negative predictive value of 80%. In summary, the available evidence is currently insufficient to determine the role of this variant in disease. Therefore, it has been classified as a Variant of Uncertain Significance.

NM_000070.3(CAPN3):c.1582A>G (p.Asn528Asp)

Gene: CAPN3 (calpain 3; plus strand). Cytogenetic location: 15q15.1.
Variant type: single nucleotide variant.
Coding change: c.1582A>G on transcript NM_000070.3 (MANE Select); coding-DNA position 1582, A replaced by G.
Protein change: p.Asn528Asp; replaces asparagine 528 with aspartic acid.
Molecular consequence: missense variant.
Genome position (GRCh38, 1-based): chr15:42,402,839, A>G. VCF-style: chr15-42402839-A-G. GRCh37 (hg19) VCF-style: chr15-42695037-A-G.
Other names: c.1582A>G, p.Asn528Asp (NM_024344.2); c.1438A>G, p.Asn480Asp (NM_173087.2); c.46A>G, p.Asn16Asp (NM_173088.2); c.*698A>G (NM_212464.2); c.*1275A>G (NM_212467.2); short protein forms N480D, N528D, N16D.
Identifiers: ClinVar variation 2178021 (VCV002178021.2), dbSNP rs2053911560, ClinGen allele CA392000175.
Genomic context (GRCh38, chr15:42,402,839, plus strand): 5'-CTCCCCATCTCTCAGATGCACGGGAACAAGCAGCACCTGCAGAAGGACTTCTTCCTGTAC[A>G]ACGCCTCCAAGGCCAGGAGCAAAACCTACATCAACATGCGGGAGGTGTCCCAGCGCTTCC-3'
Protein context (NP_000061.1, residues 518-538): QHLQKDFFLY[Asn528Asp]ASKARSKTYI